The following is an entry in ClinVar:

ClinVar aggregate classification (germline): Pathogenic. Review status: criteria provided, multiple submitters, no conflicts (2 of 4 stars). 2 submissions from 2 submitters: Pathogenic (2). Last evaluated 2022-06-09.

Conditions:
Myofibrillar myopathy 5. Also called: Filaminopathy (type); FILAMINOPATHY, AUTOSOMAL DOMINANT. Identifiers: Orphanet 171445, MedGen C1836050, MONDO:0012289, OMIM 609524.
Distal myopathy with posterior leg and anterior hand involvement. Also called: WILLIAMS DISTAL MYOPATHY. Identifiers: Orphanet 63273, MedGen C3279722, MONDO:0013550, OMIM 614065.
Hypertrophic cardiomyopathy 26. Also called: Cardiomyopathy, familial hypertrophic, 26. Identifiers: Orphanet 75249, MedGen C4310749, MONDO:0014883, OMIM 617047.
Primary familial dilated cardiomyopathy (FDC). Also called: Familial dilated cardiomyopathy; Hypokinetic dilated cardiomyopathy, familial. Identifiers: Orphanet 217607, MedGen C0340427, MONDO:0016333.

Submissions (2):

Labcorp Genetics (formerly Invitae), Labcorp
Classification: Pathogenic for Distal myopathy with posterior leg and anterior hand involvement; Myofibrillar myopathy 5; Hypertrophic cardiomyopathy 26. Last evaluated: 2022-06-09. Review status: criteria provided, single submitter. Criteria: Invitae Variant Classification Sherloc (09022015). Collection method: clinical testing. Allele origin: germline.
Comment: This variant is not present in population databases (gnomAD no frequency). For these reasons, this variant has been classified as Pathogenic. This premature translational stop signal has been observed in individual(s) with dilated cardiomyopathy (PMID: 32112656). This sequence change creates a premature translational stop signal (p.Gln2303*) in the FLNC gene. It is expected to result in an absent or disrupted protein product. Loss-of-function variants in FLNC are known to be pathogenic (PMID: 27908349).

Center for Human Genetics, University of Leuven
Classification: Pathogenic for Primary familial dilated cardiomyopathy. Last evaluated: 2021-12-24. Review status: criteria provided, single submitter. Criteria: ACMG Guidelines, 2015. Collection method: clinical testing. Allele origin: inherited. Affected: yes. Observed: 5 variant alleles.

Literature cited by the submitters: PubMed 32112656 (cited by Labcorp Genetics (formerly Invitae), Labcorp); PubMed 27908349 (cited by Labcorp Genetics (formerly Invitae), Labcorp).

NM_001458.5(FLNC):c.6907C>T (p.Gln2303Ter)

Genes: FLNC-AS1 (FLNC antisense RNA 1; minus strand), FLNC (filamin C; plus strand). Cytogenetic location: 7q32.1.
Variant type: single nucleotide variant.
Coding change: c.6907C>T on transcript NM_001458.5 (MANE Select); coding-DNA position 6907, C replaced by T.
Protein change: p.Gln2303Ter; replaces glutamine 2303 with a stop codon.
Molecular consequence: nonsense.
Genome position (GRCh38, 1-based): chr7:128,854,592, C>T. VCF-style: chr7-128854592-C-T. GRCh37 (hg19) VCF-style: chr7-128494646-C-T.
Other names: c.6808C>T, p.Gln2270Ter (NM_001127487.2); short protein forms Q2270*, Q2303*.
Identifiers: ClinVar variation 1710097 (VCV001710097.14), dbSNP rs2536665281, ClinGen allele CA369214146.